The following is an entry in ClinVar:

ClinVar aggregate classification (germline): Benign/Likely benign. Review status: criteria provided, multiple submitters, no conflicts (2 of 4 stars). 10 submissions from 10 submitters: Benign (1); Likely benign (8). 1 of the submissions does not count toward it. Last evaluated 2025-12-03.

Conditions:
Cardiovascular phenotype. Identifiers: MedGen CN230736.
Arrhythmogenic right ventricular dysplasia 9 (ARVD9). Also called: Arrhythmogenic Right Ventricular Dysplasia/Cardiomyopathy 9; ARRHYTHMOGENIC RIGHT VENTRICULAR DYSPLASIA, FAMILIAL, 9. Identifiers: MedGen C1836906, MONDO:0012180, OMIM 609040.
PKP2-related disorder. Also called: PKP2-related condition.
Cardiomyopathy (CMYO). Also called: Cardiomyopathies. Identifiers: Orphanet 167848, MedGen C0878544, MONDO:0004994, HP:0001638. Inheritance: Various modes of inheritance.

Allele frequency attached by ClinVar (database versions not stated): TOPMed 0.00005; 1000 Genomes Project 30x 0.00062; 1000 Genomes Project 0.00080.
gnomAD v4.1: 281 of 1,613,912 alleles (0.017%); highest among the groups gnomAD compares: South Asian, 0.27%; 3 homozygotes.

Submissions (10):

Labcorp Genetics (formerly Invitae), Labcorp
Classification: Likely benign for Arrhythmogenic right ventricular dysplasia 9. Last evaluated: 2025-12-03. Review status: criteria provided, single submitter. Criteria: Invitae Variant Classification Sherloc (09022015). Collection method: clinical testing. Allele origin: germline.

Mayo Clinic Laboratories, Mayo Clinic
Classification: Likely benign. Last evaluated: 2025-11-06. Review status: criteria provided, single submitter. Criteria: ACMG Guidelines, 2015. Collection method: clinical testing. Allele origin: germline. Observed: 1 variant allele.
Comment: BS1, BP4

Women's Health and Genetics/Laboratory Corporation of America, LabCorp
Classification: Likely benign. Last evaluated: 2025-05-16. Review status: criteria provided, single submitter. Criteria: LabCorp Variant Classification Summary - May 2015. Collection method: clinical testing. Allele origin: germline.
Comment: Variant summary: PKP2 c.406G>A (p.Val136Met) results in a conservative amino acid change in the encoded protein sequence. Algorithms developed to predict the effect of missense changes on protein structure and function all suggest that this variant is likely to be tolerated. The variant allele was found at a frequency of 0.00043 in 251060 control chromosomes, predominantly at a frequency of 0.0034 within the South Asian subpopulation in the gnomAD database, including 1 homozygotes. The observed variant frequency within South Asian control individuals in the gnomAD database is approximately 5.23 fold of the estimated maximal expected allele frequency for a pathogenic variant in PKP2 causing Arrhythmogenic Right Ventricular Dysplasia/Cardiomyopathy phenotype (0.00065). To our knowledge, no occurrence of c.406G>A in individuals affected with Arrhythmogenic Right Ventricular Dysplasia/Cardiomyopathy and no experimental evidence demonstrating its impact on protein function have been reported. ClinVar contains an entry for this variant (Variation ID: 380237). Based on the evidence outlined above, the variant was classified as likely benign.

Molecular Diagnostic Laboratory for Inherited Cardiovascular Disease, Montreal Heart Institute
Classification: Likely benign. Last evaluated: 2025-04-09. Review status: criteria provided, single submitter. Criteria: ACMG Guidelines, 2015. Collection method: clinical testing. Allele origin: germline. Affected: no.
Comment: BS1;BP4;BP6

Blueprint Genetics
Classification: Likely benign. Last evaluated: 2024-09-19. Review status: criteria provided, single submitter. Criteria: ACMG Guidelines, 2015. Collection method: clinical testing. Allele origin: germline.

Color Diagnostics, LLC DBA Color Health
Classification: Benign for Cardiomyopathy. Last evaluated: 2024-09-04. Review status: criteria provided, single submitter. Criteria: ACMG Guidelines, 2015. Collection method: clinical testing. Allele origin: germline.

Ambry Genetics
Classification: Likely benign for Cardiovascular phenotype. Last evaluated: 2019-03-14. Review status: criteria provided, single submitter. Criteria: Ambry Variant Classification Scheme 2023. Collection method: clinical testing. Allele origin: germline.

GeneDx
Classification: Likely benign. Last evaluated: 2018-09-14. Review status: criteria provided, single submitter. Criteria: GeneDx Variant Classification Process June 2021. Collection method: clinical testing. Allele origin: germline. Affected: yes.

CHEO Genetics Diagnostic Laboratory, Children's Hospital of Eastern Ontario
Classification: Likely benign for Cardiomyopathy. Last evaluated: 2016-10-07. Review status: criteria provided, single submitter. Criteria: ACMG Guidelines, 2015. Collection method: clinical testing. Allele origin: germline. Study: Canadian Open Genetics Repository.

PreventionGenetics, part of Exact Sciences
Classification: Likely benign for PKP2-related condition. Last evaluated: 2021-02-02. Review status: no assertion criteria provided. Collection method: clinical testing. Allele origin: germline. Not counted in ClinVar's aggregate classification.
Comment: This variant is classified as likely benign based on ACMG/AMP sequence variant interpretation guidelines (Richards et al. 2015 PMID: 25741868, with internal and published modifications).

NM_001005242.3(PKP2):c.406G>A (p.Val136Met)

Gene: PKP2 (plakophilin 2; minus strand). Cytogenetic location: 12p11.21.
Variant type: single nucleotide variant.
Coding change: c.406G>A on transcript NM_001005242.3 (MANE Select); coding-DNA position 406, G replaced by A.
Protein change: p.Val136Met; replaces valine 136 with methionine.
Molecular consequence: missense variant.
Genome position (GRCh38, 1-based): chr12:32,878,474, C>T on the plus strand (G>A on the coding strand, the complement: PKP2 is on the minus strand). VCF-style: chr12-32878474-C-T. GRCh37 (hg19) VCF-style: chr12-33031408-C-T.
Other names: p.Val136Met; c.406G>A (NM_001005242.2); c.406G>A, p.Val136Met (NM_004572.4); short protein forms V136M.
Identifiers: ClinVar variation 380237 (VCV000380237.26), dbSNP rs567795321, ClinGen allele CA037255.
Genomic context (GRCh38, chr12:32,878,474, plus strand): 5'-GGCTGCTGTCAGGAGAAATCTCCAGTCTCCTCAGAGGATGCCTCAAGGACCTTTCTTCCA[C>T]GGACTTCTGGGAGCTGTACTGTGCTGTTCCTCTTCCCCAGCGACCTTCATAAGTGGCAGT-3'
Protein context (NP_001005242.2, residues 126-146): GTAQYSSQKS[Val136Met]EERSLRHPLR